The following is an entry in ClinVar:

ClinVar aggregate classification (germline): Uncertain significance (1 of 4 stars; one submission).

gnomAD v4.1: 5 of 1,593,976 alleles (0.00031%); highest among the groups gnomAD compares: Admixed American, 0.0017%; no homozygotes.

Submission:

Labcorp Genetics (formerly Invitae), Labcorp
Classification: Uncertain significance. Last evaluated: 2022-04-22. Review status: criteria provided, single submitter. Criteria: Invitae Variant Classification Sherloc (09022015). Collection method: clinical testing. Allele origin: germline.
Comment: In summary, the available evidence is currently insufficient to determine the role of this variant in disease. Therefore, it has been classified as a Variant of Uncertain Significance. Algorithms developed to predict the effect of sequence changes on RNA splicing suggest that this variant may create or strengthen a splice site. This variant has not been reported in the literature in individuals affected with KIF2A-related conditions. This variant is not present in population databases (gnomAD no frequency). This sequence change falls in intron 19 of the KIF2A gene. It does not directly change the encoded amino acid sequence of the KIF2A protein.

NM_001098511.3(KIF2A):c.2014-19C>A

Gene: KIF2A (kinesin family member 2A; plus strand). Cytogenetic location: 5q12.1.
Variant type: single nucleotide variant.
Coding change: c.2014-19C>A on transcript NM_001098511.3 (MANE Select); 19 bases into the intron before coding-DNA position 2014, C replaced by A.
Molecular consequence: intron variant.
Genome position (GRCh38, 1-based): chr5:62,381,099, C>A. VCF-style: chr5-62381099-C-A. GRCh37 (hg19) VCF-style: chr5-61676926-C-A.
Other names: c.1819-19C>A (NM_001243952.2); c.1900-19C>A (NM_004520.5); c.1843-19C>A (NM_001243953.2).
Identifiers: ClinVar variation 2123500 (VCV002123500.4), dbSNP rs776614866, ClinGen allele CA559827219.